The following is an entry in ClinVar:

ClinVar aggregate classification (germline): Pathogenic. Review status: reviewed by expert panel (3 of 4 stars). 12 submissions from 12 submitters: Pathogenic (1). 11 of the submissions do not count toward it. Last evaluated 2023-02-07.

Conditions:
GAA-related disorder. Also called: GAA-related condition.
Glycogen storage disease, type II (IOPD). Also called: POMPE DISEASE, INFANTILE-ONSET; GLYCOGEN STORAGE DISEASE II, INFANTILE-ONSET; ACID ALPHA-GLUCOSIDASE DEFICIENCY, INFANTILE-ONSET; GAA DEFICIENCY, INFANTILE-ONSET; ACID MALTASE DEFICIENCY, INFANTILE-ONSET; Pompe Disease. Identifiers: Orphanet 365, MedGen C0017921, MONDO:0009290, OMIM 232300.

Allele frequency attached by ClinVar (database versions not stated): gnomAD exomes 0.00001; gnomAD below 0.00001 and 0.00001; TOPMed 0.00002; ExAC 0.00002.
gnomAD v4.1: 10 of 1,613,876 alleles (0.00062%); highest among the groups gnomAD compares: South Asian, 0.0044%; no homozygotes.

Submissions 1 to 7 of 12:

ClinGen Lysosomal Storage Disorder Variant Curation Expert Panel
Classification: Pathogenic for Glycogen storage disease, type II. Last evaluated: 2023-02-07. Review status: reviewed by expert panel. Criteria: clingen_lsd_acmg_specifications_v2-1. Collection method: curation. Allele origin: germline. Inheritance: Autosomal recessive inheritance.
Comment: The NM_000152.5:c.1465G>A variant in GAA is a missense variant that is predicted to result in the substitution of aspartate by asparagine at amino acid 489 (p.Asp489Asn). This variant has been detected in at least 10 patients reported to have Pompe disease including 7 individuals with reported laboratory values demonstrating deficient GAA activity (PMID: 17151339, 22081099, 22658377, 24395639, 24844452, 24923245, 29422078, 31193175), and three for whom GAA activity was not reported but who were treated by enzyme replacement (PMIDs: 25626711, 28574618). Nine individuals were compound heterozygous, phase unknown, for the variant and a variant that has been classified as pathogenic by the ClinGen LSD VCEP including c.-32-13T>G (PMIDs: 16917947, 2208109, 24395639, 24844452, 24923245, 28574618), c.40_47del8 (PMID: 29422078), c.307T>G (p.Cys103Gly) (PMID: 18429042), c.1799G>A (p.Arg600His) (PMID: 22711147), c.2014C>T (p.Arg672Trp) (PMID: 16917947, 2208109), and another individual was compound heterozygous for the variant and c.2481+110_2646+39del (labeled as c.IVS17 + 102_IVS18 + 31 in the paper) confirmed in trans (PMID: 25626711). The variant was also detected in a parent of two affected children, now deceased, with c.1962_1964delAGA (p.Glu655del) in the other parent. However, as these variants were not confirmed to be present in the affected children, the data is not included (PMID: 22711147). Another individual was reported to have the variant but the cDNA sequence was not provided (PMID: 17616415 (PM3_VeryStrong). The highest population minor allele frequency in gnomAD is 0.00005 (1/21638) in the European Finnish population which is lower than the ClinGen LSD VCEP threshold (<0.001) for PM2_Supporting, meeting this criterion (PM2_Supporting). In two different studies, this variant results in <2% GAA activity when expressed in COS-7 cells or Ad5-SV40 immortalized human GAA-deficient fibroblasts and, on Western blot, most of the gene product remained as the 110 kDa inactive precursor (PMID: 17915575, 19862843) (PS3_Moderate). The computational predictor REVEL gives a score of 0.938 which is above the threshold of 0.7, evidence that correlates with impact to GAA function (PP3). There is a ClinVar entry for this variant (Variation ID: 92465). In summary, this variant meets the criteria to be classified as pathogenic for Pompe disease. GAA-specific ACMG/AMP criteria applied, as specified by the ClinGen LSD VCEP (specifications version 2.0): PM3_VeryStrong, PS3_Moderate, PP4_Moderate, PP3, PM2_Supporting. (Classification approved by the ClinGen LSD VCEP, February 7, 2023).

Genomenon, Inc
Classification: Pathogenic for Glycogen storage disease, type II. Last evaluated: 2026-07-01. Review status: criteria provided, single submitter. Criteria: Genomenon Sequence Variant Interpretation Standards - Updated. Collection method: curation. Allele origin: germline. Affected: yes. Not counted in ClinVar's aggregate classification.
Comment: GAA p.Asp489Asn (c.1465G>A) is a missense variant that changes the amino acid at codon 489 from Aspartic acid to Asparagine. This variant has been observed in at least one proband with a GAA-related disorder in the compound heterozygous and/or homozygous state (PMID:39020349;36310651;35477515;34072668;33301762;32711049;31606152;31193175;29422078;24923245). At least one functional study has demonstrated a substantial alteration in protein function relative to the wild-type (PMID:19862843;17915575). It is absent or not present at a significant frequency in gnomAD. In silico models predict that this variant is possibly or probably damaging. In conclusion, we classify GAA p.Asp489Asn (c.1465G>A) as a pathogenic variant.

Labcorp Genetics (formerly Invitae), Labcorp
Classification: Pathogenic for Glycogen storage disease, type II. Last evaluated: 2026-02-03. Review status: criteria provided, single submitter. Criteria: Invitae Variant Classification Sherloc (09022015). Collection method: clinical testing. Allele origin: germline. Not counted in ClinVar's aggregate classification.
Comment: This sequence change replaces aspartic acid, which is acidic and polar, with asparagine, which is neutral and polar, at codon 489 of the GAA protein (p.Asp489Asn). This variant is present in population databases (rs398123169, gnomAD 0.004%). This missense change has been observed in individual(s) with glycogen storage disease type II (GSDII) (PMID: 16917947, 24844452, 29422078). In at least one individual the data is consistent with being in trans (on the opposite chromosome) from a pathogenic variant. ClinVar contains an entry for this variant (Variation ID: 92465). Invitae Evidence Modeling of protein sequence and biophysical properties (such as structural, functional, and spatial information, amino acid conservation, physicochemical variation, residue mobility, and thermodynamic stability) indicates that this missense variant is expected to disrupt GAA protein function with a positive predictive value of 95%. Experimental studies have shown that this missense change affects GAA function (PMID: 16917947). For these reasons, this variant has been classified as Pathogenic.

Variantyx, Inc.
Classification: Pathogenic for Glycogen storage disease, type II. Last evaluated: 2025-10-06. Review status: criteria provided, single submitter. Criteria: Variantyx Assertion Criteria 2022. Collection method: clinical testing. Allele origin: germline. Inheritance: Autosomal recessive inheritance. Affected: no. Not counted in ClinVar's aggregate classification.
Comment: This is a nonsynonymous variant in the GAA gene (OMIM: 606800). Pathogenic variants in this gene have been associated with autosomal recessive glycogen storage disease II. This variant has been identified in the homozygous or compound heterozygous state in at least 5 individuals reported in the published literature (PMID: 25626711, 16917947, 32711049) (PM3). Functional studies have shown that this variant alters GAA protein function (PMID: 19862843, 16917947) (PS3_Moderate), and multiple computational algorithms predict a deleterious effect for this variant (REVEL score: 0.938) (PP3). This variant has a 0.0044% maximum allele frequency in non-founder control populations (PM2). Based on the current evidence, this variant is classified as pathogenic for autosomal recessive glycogen storage disease II.A

PreventionGenetics, part of Exact Sciences
Classification: Pathogenic for GAA-related condition. Last evaluated: 2025-06-18. Review status: criteria provided, single submitter. Criteria: ACMG Guidelines, 2015. Collection method: clinical testing. Allele origin: germline. Not counted in ClinVar's aggregate classification.
Comment: The GAA c.1465G>A variant is predicted to result in the amino acid substitution p.Asp489Asn. This variant was reported along with a second variant in multiple patients with autosomal recessive Pompe disease (Montalvo et al. 2006. PubMed ID: 16917947, Sacconi et al. 2014. PubMed ID: 24844452, Parini et al. 2018. PubMed ID: 29422078, Pittis et al. 2008. PubMed ID: 18429042, Prajnya et al. 2011. PubMed ID: 22711147). Functional characterization suggests this variant is deleterious (Flanagan et al. 2009. PubMed ID: 19862843). This variant is reported in 0.0046% of alleles in individuals of European (Finnish) descent in gnomAD and has been classified as pathogenic by the ClinGen Lysosomal Storage Disorder Variant Curation Expert Panel. This variant is interpreted as pathogenic.

Fulgent Genetics
Classification: Pathogenic for Glycogen storage disease, type II. Last evaluated: 2024-03-25. Review status: criteria provided, single submitter. Criteria: ACMG Guidelines, 2015. Collection method: clinical testing. Allele origin: germline. Not counted in ClinVar's aggregate classification.

Revvity Omics, Revvity
Classification: Pathogenic. Last evaluated: 2022-07-07. Review status: criteria provided, single submitter. Criteria: ACMG Guidelines, 2015. Collection method: clinical testing. Allele origin: germline. Not counted in ClinVar's aggregate classification.

NM_000152.5(GAA):c.1465G>A (p.Asp489Asn)

Gene: GAA (alpha glucosidase; plus strand). Cytogenetic location: 17q25.3.
Variant type: single nucleotide variant.
Coding change: c.1465G>A on transcript NM_000152.5 (MANE Select); coding-DNA position 1465, G replaced by A.
Protein change: p.Asp489Asn; replaces aspartic acid 489 with asparagine.
Molecular consequence: missense variant.
Genome position (GRCh38, 1-based): chr17:80,110,754, G>A. VCF-style: chr17-80110754-G-A. GRCh37 (hg19) VCF-style: chr17-78084553-G-A.
Other names: c.1465G>A, p.Asp489Asn (LRG_673t1, NM_001079803.3, NM_001079804.3); c.1465G>A (NM_000152.4); short protein forms D489N.
Identifiers: ClinVar variation 92465 (VCV000092465.64), dbSNP rs398123169, ClinGen allele CA220390.